The following is an entry in ClinVar:

NM_016169.4(SUFU):c.581del (p.Val194fs)

Gene: SUFU (SUFU negative regulator of hedgehog signaling; plus strand). Cytogenetic location: 10q24.32.
Variant type: Deletion.
Coding change: c.581del on transcript NM_016169.4 (MANE Select); coding-DNA position 581, one base deleted (T; older notation c.581delT).
Protein change: p.Val194fs; shifts the reading frame from valine 194.
Molecular consequence: frameshift variant.
Genome position (GRCh38, 1-based): chr10:102,592,708, T deleted. VCF-style (leftmost placement, unchanged base first): chr10-102592707-GT-G. GRCh37 (hg19) VCF-style: chr10-104352464-GT-G.
Other names: c.581del, p.Val194fs (NM_001178133.2); short protein forms V194fs.
Identifiers: ClinVar variation 2134566 (VCV002134566.4), dbSNP rs2545081587, ClinGen allele CA2580081178.

ClinVar aggregate classification (germline): Pathogenic (1 of 4 stars; one submission).

Conditions:
Gorlin syndrome. Also called: Basal cell nevus syndrome; Nevoid Basal Cell Carcinoma Syndrome. Identifiers: Orphanet 377, MedGen C0004779, MONDO:0007187.
Medulloblastoma (MDB). Also called: Medulloblastoma, somatic; MEDULLOBLASTOMA PREDISPOSITION SYNDROME. Identifiers: Orphanet 616, MedGen C0025149, MeSH D008527, MONDO:0007959, OMIM 155255, HP:0002885.

Submission:

Labcorp Genetics (formerly Invitae), Labcorp
Classification: Pathogenic for Gorlin syndrome; Medulloblastoma. Last evaluated: 2022-05-06. Review status: criteria provided, single submitter. Criteria: Invitae Variant Classification Sherloc (09022015). Collection method: clinical testing. Allele origin: germline.
Comment: This variant has not been reported in the literature in individuals affected with SUFU-related conditions. This variant is not present in population databases (gnomAD no frequency). This sequence change creates a premature translational stop signal (p.Val194Glufs*41) in the SUFU gene. It is expected to result in an absent or disrupted protein product. Loss-of-function variants in SUFU are known to be pathogenic (PMID: 22508808, 25403219). For these reasons, this variant has been classified as Pathogenic.

Literature cited by the submitters: PubMed 22508808; PubMed 25403219.